The following is an entry in ClinVar:

NM_000978.4(RPL23):c.364G>A (p.Ala122Thr)

Gene: RPL23 (ribosomal protein L23; minus strand). Cytogenetic location: 17q12.
Variant type: single nucleotide variant.
Coding change: c.364G>A on transcript NM_000978.4 (MANE Select); coding-DNA position 364, G replaced by A.
Protein change: p.Ala122Thr; replaces alanine 122 with threonine.
Molecular consequence: missense variant.
Genome position (GRCh38, 1-based): chr17:38,850,191, C>T on the plus strand (G>A on the coding strand, the complement: RPL23 is on the minus strand). VCF-style: chr17-38850191-C-T. GRCh37 (hg19) VCF-style: chr17-37006444-C-T.
Other names: short protein forms A122T.
Identifiers: ClinVar variation 3726281 (VCV003726281.2).

ClinVar aggregate classification (germline): Uncertain significance (1 of 4 stars; one submission).

Submission:

Labcorp Genetics (formerly Invitae), Labcorp
Classification: Uncertain significance. Last evaluated: 2024-11-27. Review status: criteria provided, single submitter. Criteria: Invitae Variant Classification Sherloc (09022015). Collection method: clinical testing. Allele origin: germline.
Comment: This sequence change replaces alanine, which is neutral and non-polar, with threonine, which is neutral and polar, at codon 122 of the RPL23 protein (p.Ala122Thr). This variant is not present in population databases (gnomAD no frequency). This variant has not been reported in the literature in individuals affected with RPL23-related conditions. An algorithm developed to predict the effect of missense changes on protein structure and function (PolyPhen-2) suggests that this variant is likely to be tolerated. In summary, the available evidence is currently insufficient to determine the role of this variant in disease. Therefore, it has been classified as a Variant of Uncertain Significance.